The following is an entry in ClinVar:

ClinVar aggregate classification (germline): Uncertain significance. Review status: criteria provided, multiple submitters, no conflicts (2 of 4 stars). 2 submissions from 2 submitters: Uncertain significance (2). Last evaluated 2026-08-01.

Conditions:
Severe early-onset pulmonary alveolar proteinosis due to MARS deficiency. Also called: PULMONARY ALVEOLAR PROTEINOSIS, REUNION ISLAND; Interstitial lung and liver disease. Identifiers: Orphanet 440427, MedGen C4225400, MONDO:0014206, OMIM 615486.
Charcot-Marie-Tooth disease axonal type 2U. Also called: CHARCOT-MARIE-TOOTH NEUROPATHY, TYPE 2U; CHARCOT-MARIE-TOOTH DISEASE, AXONAL, AUTOSOMAL DOMINANT, TYPE 2U. Identifiers: Orphanet 397735, MedGen C4084821, MONDO:0014566, OMIM 616280.

Allele frequency attached by ClinVar (database versions not stated): gnomAD 0.00001; gnomAD exomes 0.00001; TOPMed 0.00001; ExAC 0.00002.
gnomAD v4.1: 12 of 1,611,872 alleles (0.00074%); highest among the groups gnomAD compares: Admixed American, 0.0017%; no homozygotes.

Submissions (2):

CeGaT Center for Human Genetics Tuebingen
Classification: Uncertain significance. Last evaluated: 2026-08-01. Review status: criteria provided, single submitter. Criteria: CeGaT Center For Human Genetics Tuebingen Variant Classification Criteria Version 2. Collection method: clinical testing. Allele origin: germline. Affected: yes. Observed: 1 variant allele.
Comment: MARS1: PM2, BP4

Labcorp Genetics (formerly Invitae), Labcorp
Classification: Uncertain significance for Charcot-Marie-Tooth disease axonal type 2U; Severe early-onset pulmonary alveolar proteinosis due to MARS deficiency. Last evaluated: 2025-08-11. Review status: criteria provided, single submitter. Criteria: Invitae Variant Classification Sherloc (09022015). Collection method: clinical testing. Allele origin: germline.
Comment: This sequence change replaces alanine, which is neutral and non-polar, with threonine, which is neutral and polar, at codon 884 of the MARS protein (p.Ala884Thr). This variant is present in population databases (rs778165066, gnomAD 0.003%). This variant has not been reported in the literature in individuals affected with MARS-related conditions. ClinVar contains an entry for this variant (Variation ID: 1681806). An algorithm developed to predict the effect of missense changes on protein structure and function (PolyPhen-2) suggests that this variant is likely to be tolerated. In summary, the available evidence is currently insufficient to determine the role of this variant in disease. Therefore, it has been classified as a Variant of Uncertain Significance.

NM_004990.4(MARS1):c.2650G>A (p.Ala884Thr)

Gene: MARS1 (methionyl-tRNA synthetase 1; plus strand). Cytogenetic location: 12q13.3.
Variant type: single nucleotide variant.
Coding change: c.2650G>A on transcript NM_004990.4 (MANE Select); coding-DNA position 2650, G replaced by A.
Protein change: p.Ala884Thr; replaces alanine 884 with threonine.
Molecular consequence: missense variant.
Genome position (GRCh38, 1-based): chr12:57,516,528, G>A. VCF-style: chr12-57516528-G-A. GRCh37 (hg19) VCF-style: chr12-57910311-G-A.
Other names: short protein forms A884T.
Identifiers: ClinVar variation 1681806 (VCV001681806.7), dbSNP rs778165066, ClinGen allele CA6650914.